The following is an entry in ClinVar:

NM_000095.3(COMP):c.142G>T (p.Val48Leu)

Gene: COMP (cartilage oligomeric matrix protein; minus strand). Cytogenetic location: 19p13.11.
Variant type: single nucleotide variant.
Coding change: c.142G>T on transcript NM_000095.3 (MANE Select); coding-DNA position 142, G replaced by T.
Protein change: p.Val48Leu; replaces valine 48 with leucine.
Molecular consequence: missense variant.
Genome position (GRCh38, 1-based): chr19:18,790,873, C>A on the plus strand (G>T on the coding strand, the complement: COMP is on the minus strand). VCF-style: chr19-18790873-C-A. GRCh37 (hg19) VCF-style: chr19-18901682-C-A.
Other names: short protein forms V48L.
Identifiers: ClinVar variation 2417806 (VCV002417806.5), dbSNP rs1418225765, ClinGen allele CA404899744.
Genomic context (GRCh38, chr19:18,790,873, plus strand): 5'-TCCCTGGCACTCCCTGCCCCGCACCCGGGCCCCGCACCTGCTGCCGCAGCAGCTCCCGCA[C>A]GTCCTGCAGCGCCGCGTTGGTTTCCTGCAGTTCCCGAAGCATCTGCGGGCCCAGGTCTGA-3'
Protein context (NP_000086.2, residues 38-58): LQETNAALQD[Val48Leu]RELLRQQVRE

ClinVar aggregate classification (germline): Uncertain significance (1 of 4 stars; one submission).

gnomAD v4.1: 2 of 1,567,922 alleles (0.00013%); highest among the groups gnomAD compares: Non-Finnish European, 0.00017%; no homozygotes.

Submission:

Labcorp Genetics (formerly Invitae), Labcorp
Classification: Uncertain significance. Last evaluated: 2022-05-08. Review status: criteria provided, single submitter. Criteria: Invitae Variant Classification Sherloc (09022015). Collection method: clinical testing. Allele origin: germline.
Comment: This sequence change replaces valine, which is neutral and non-polar, with leucine, which is neutral and non-polar, at codon 48 of the COMP protein (p.Val48Leu). The frequency data for this variant in the population databases is considered unreliable, as metrics indicate poor data quality at this position in the gnomAD database. This variant has not been reported in the literature in individuals affected with COMP-related conditions. Advanced modeling of protein sequence and biophysical properties (such as structural, functional, and spatial information, amino acid conservation, physicochemical variation, residue mobility, and thermodynamic stability) performed at Invitae indicates that this missense variant is not expected to disrupt COMP protein function. In summary, the available evidence is currently insufficient to determine the role of this variant in disease. Therefore, it has been classified as a Variant of Uncertain Significance.